The following is an entry in ClinVar:

NM_001122659.3(EDNRB):c.956G>T (p.Arg319Leu)

Genes: EDNRB (endothelin receptor type B; minus strand), EDNRB-AS1 (EDNRB antisense RNA 1; plus strand). Cytogenetic location: 13q22.3.
Variant type: single nucleotide variant.
Coding change: c.956G>T on transcript NM_001122659.3 (MANE Select); coding-DNA position 956, G replaced by T.
Protein change: p.Arg319Leu; replaces arginine 319 with leucine.
Molecular consequence: missense variant.
Genome position (GRCh38, 1-based): chr13:77,900,650, C>A on the plus strand (G>T on the coding strand, the complement: EDNRB is on the minus strand). VCF-style: chr13-77900650-C-A. GRCh37 (hg19) VCF-style: chr13-78474785-C-A.
Other names: c.956G>T, p.Arg319Leu (NM_000115.5, NM_003991.4); c.1226G>T, p.Arg409Leu (NM_001201397.2); short protein forms R319L, R409L.
Identifiers: ClinVar variation 1309302 (VCV001309302.2), dbSNP rs759543922, ClinGen allele CA7012200.
Genomic context (GRCh38, chr13:77,900,650, plus strand): 5'-AGGGGAAGCCAGCAGAGGGCAAAGACAAGGACCAGGCAAAAGACGGTTTTGGCCACTTCC[C>A]GTCTCTGAAATAAATCCATAGTTTGACCCTTAAAAGATGGCTCATTTTACTCATAGCATT-3'
Protein context (NP_001116131.1, residues 309-329): IALNDHLKQR[Arg319Leu]EVAKTVFCLV

ClinVar aggregate classification (germline): Uncertain significance (1 of 4 stars; one submission).

Allele frequency attached by ClinVar (database versions not stated): TOPMed below 0.00001; ExAC 0.00001.
gnomAD v4.1: 8 of 1,612,132 alleles (0.0005%); highest among the groups gnomAD compares: South Asian, 0.0011%; no homozygotes.

Submission:

GeneDx
Classification: Uncertain significance. Last evaluated: 2019-10-15. Review status: criteria provided, single submitter. Criteria: GeneDx Variant Classification Process June 2021. Collection method: clinical testing. Allele origin: germline. Affected: yes.
Comment: Not observed at a significant frequency in large population cohorts (Lek et al., 2016); In silico analysis, which includes protein predictors and evolutionary conservation, supports a deleterious effect; Has not been previously published as pathogenic or benign to our knowledge